The following is an entry in ClinVar:

ClinVar aggregate classification (germline): Likely benign (0 of 4 stars; one submission).

Conditions:
TTC28-related disorder. Also called: TTC28-related condition.

Allele frequency attached by ClinVar (database versions not stated): 1000 Genomes Project 30x 0.00016; 1000 Genomes Project 0.00020; ExAC 0.00074; gnomAD 0.00074; TOPMed 0.00080; gnomAD exomes 0.00117; ESP Exome Variant Server 0.00197.
gnomAD v4.1: 1,722 of 1,551,350 alleles (0.11%); highest among the groups gnomAD compares: Non-Finnish European, 0.14%; 2 homozygotes.

Submission:

PreventionGenetics, part of Exact Sciences
Classification: Likely benign for TTC28-related condition. Last evaluated: 2020-03-09. Review status: no assertion criteria provided. Collection method: clinical testing. Allele origin: germline.
Comment: This variant is classified as likely benign based on ACMG/AMP sequence variant interpretation guidelines (Richards et al. 2015 PMID: 25741868, with internal and published modifications).

NM_001145418.2(TTC28):c.7197A>G (p.Pro2399=)

Genes: TTC28 (tetratricopeptide repeat domain 28; minus strand), TTC28-AS1 (TTC28 antisense RNA 1; plus strand). Cytogenetic location: 22q12.1.
Variant type: single nucleotide variant.
Coding change: c.7197A>G on transcript NM_001145418.2 (MANE Select); coding-DNA position 7197, A replaced by G.
Protein change: p.Pro2399=; no amino-acid change (proline 2399 retained).
Molecular consequence: synonymous variant.
Genome position (GRCh38, 1-based): chr22:27,982,470, T>C on the plus strand (A>G on the coding strand, the complement: TTC28 is on the minus strand). VCF-style: chr22-27982470-T-C. GRCh37 (hg19) VCF-style: chr22-28378458-T-C.
Other names: c.7173A>G, p.Pro2391= (NM_001393403.1); c.6843A>G, p.Pro2281= (NM_001393404.1); c.6819A>G, p.Pro2273= (NM_001393405.1).
Identifiers: ClinVar variation 3041446 (VCV003041446.2), dbSNP rs201938772, ClinGen allele CA10166972.